The following is an entry in ClinVar:

ClinVar aggregate classification (germline): Uncertain significance (1 of 4 stars; one submission).

Submission:

Labcorp Genetics (formerly Invitae), Labcorp
Classification: Uncertain significance. Last evaluated: 2024-10-12. Review status: criteria provided, single submitter. Criteria: Invitae Variant Classification Sherloc (09022015). Collection method: clinical testing. Allele origin: germline.
Comment: This sequence change replaces lysine, which is basic and polar, with glutamine, which is neutral and polar, at codon 934 of the SETBP1 protein (p.Lys934Gln). This variant is not present in population databases (gnomAD no frequency). This variant has not been reported in the literature in individuals affected with SETBP1-related conditions. ClinVar contains an entry for this variant (Variation ID: 2098677). Invitae Evidence Modeling of protein sequence and biophysical properties (such as structural, functional, and spatial information, amino acid conservation, physicochemical variation, residue mobility, and thermodynamic stability) indicates that this missense variant is expected to disrupt SETBP1 protein function with a positive predictive value of 80%. In summary, the available evidence is currently insufficient to determine the role of this variant in disease. Therefore, it has been classified as a Variant of Uncertain Significance.

NM_015559.3(SETBP1):c.2800A>C (p.Lys934Gln)

Gene: SETBP1 (SET binding protein 1; plus strand). Cytogenetic location: 18q12.3.
Variant type: single nucleotide variant.
Coding change: c.2800A>C on transcript NM_015559.3 (MANE Select); coding-DNA position 2800, A replaced by C.
Protein change: p.Lys934Gln; replaces lysine 934 with glutamine.
Molecular consequence: missense variant.
Genome position (GRCh38, 1-based): chr18:44,952,140, A>C. VCF-style: chr18-44952140-A-C. GRCh37 (hg19) VCF-style: chr18-42532105-A-C.
Other names: c.2800A>C, p.Lys934Gln (NM_001379141.1, NM_001379142.1, NM_001410862.1); short protein forms K934Q.
Identifiers: ClinVar variation 2098677 (VCV002098677.4), dbSNP rs2511473348, ClinGen allele CA402322236.